The following is an entry in ClinVar:

NM_006218.4(PIK3CA):c.344G>A (p.Arg115Gln)

Gene: PIK3CA (phosphatidylinositol-4,5-bisphosphate 3-kinase catalytic subunit alpha; plus strand). Cytogenetic location: 3q26.32.
Variant type: single nucleotide variant.
Coding change: c.344G>A on transcript NM_006218.4 (MANE Select); coding-DNA position 344, G replaced by A.
Protein change: p.Arg115Gln; replaces arginine 115 with glutamine.
Molecular consequence: missense variant.
Genome position (GRCh38, 1-based): chr3:179,199,169, G>A. VCF-style: chr3-179199169-G-A. GRCh37 (hg19) VCF-style: chr3-178916957-G-A.
Other names: short protein forms R115Q.
Identifiers: ClinVar variation 4974582 (VCV004974582.1).

ClinVar aggregate classification (germline): Likely pathogenic (1 of 4 stars; one submission).

Conditions:
PIK3CA related overgrowth syndrome. Also called: PIK3CA related overgrowth spectrum; PIK3CA-Related Segmental Overgrowth. Identifiers: Orphanet 530313, MedGen C4728213, MONDO:1040002.

gnomAD v4.1: 2 of 1,564,936 alleles (0.00013%); highest among the groups gnomAD compares: Non-Finnish European, 0.00017%; no homozygotes.

Submission:

Clinical Genomics Laboratory, Washington University in St. Louis
Classification: Likely pathogenic for PIK3CA related overgrowth syndrome. Last evaluated: 2026-04-27. Review status: criteria provided, single submitter. Criteria: Leon-Quintero et al. (Clin Genet. 2025). Collection method: clinical testing. Allele origin: somatic. Affected: yes.
Comment: A PIK3CA c.344G>A (p.Arg115Gln) variant was identified at an allelic fraction consistent with somatic origin. This variant, to our knowledge, has not been reported in the medical literature in individuals with PROS disorder but has been reported in the cancer database COSMIC in a single case of endometrial cancer (Genomic mutation ID: COSV55991501). It is only observed in 2/1,564,936 alleles in the general population (gnomAD v4.1.1). This variant resides within a region, the adaptor binding domain, of PIK3CA that is defined as a critical functional domain (Lai A et al., PMID: 35997716). Another variant in the same codon, p.Arg115Pro, has been reported in several individuals with PROS disorders and is considered likely pathogenic/pathogenic (Rios JJ et al., PMID: 23100325; Kuentz P et al., PMID: 28151489; Rodriguez-Laguna L et al., PMID: 29446767; ClinVar variation ID: 1172582). The PIK3CA gene is defined by the ClinGen Brain Malformations expert panel as a gene that has a low rate of benign missense variation and where pathogenic missense variants are a common mechanism of disease. Based on available information and an internally developed protocol informed by the ACMG/AMP guidelines for variant interpretation and gene-specific practices from the ClinGen Criteria Specification Registry (Leon-Quintero FZ et al., PMID: 39434542), the PIK3CA c.344G>A (p.Arg115Gln) variant is classified as likely pathogenic.